The following is an entry in ClinVar:

NM_015662.3(IFT172):c.2293del (p.Asp765fs)

Gene: IFT172 (intraflagellar transport 172; minus strand). Cytogenetic location: 2p23.3.
Variant type: Deletion.
Coding change: c.2293del on transcript NM_015662.3 (MANE Select); coding-DNA position 2293, one base deleted (G; older notation c.2293delG).
Protein change: p.Asp765fs; shifts the reading frame from aspartic acid 765.
Molecular consequence: frameshift variant.
Genome position (GRCh38, 1-based): chr2:27,461,418, C deleted on the plus strand (G on the coding strand, the reverse complement: IFT172 is on the minus strand); the first of 4 consecutive C bases (chr2:27,461,418-27,461,421); deleting any one gives the same sequence. VCF-style (leftmost placement, unchanged base first): chr2-27461417-TC-T. GRCh37 (hg19) VCF-style: chr2-27684284-TC-T.
Other names: c.2227del, p.Asp743fs (NM_001410739.1); short protein forms D743fs, D765fs.
Identifiers: ClinVar variation 4786481 (VCV004786481.1).

ClinVar aggregate classification (germline): Pathogenic (1 of 4 stars; one submission).

Conditions:
Short-rib thoracic dysplasia 10 with or without polydactyly (SRTD10). Identifiers: Orphanet 474, MedGen C3810175, MONDO:0014284, OMIM 615630.
Retinitis pigmentosa 71 (RP71). Identifiers: Orphanet 791, MedGen C4225342, MONDO:0014618, OMIM 616394.

Submission:

Labcorp Genetics (formerly Invitae), Labcorp
Classification: Pathogenic for Retinitis pigmentosa 71; Short-rib thoracic dysplasia 10 with or without polydactyly. Last evaluated: 2025-10-21. Review status: criteria provided, single submitter. Criteria: Invitae Variant Classification Sherloc (09022015). Collection method: clinical testing. Allele origin: germline.
Comment: This sequence change creates a premature translational stop signal (p.Asp765Metfs*3) in the IFT172 gene. It is expected to result in an absent or disrupted protein product. Loss-of-function variants in IFT172 are known to be pathogenic (PMID: 24140113). This variant is not present in population databases (gnomAD no frequency). This variant has not been reported in the literature in individuals affected with IFT172-related conditions. For these reasons, this variant has been classified as Pathogenic.

Literature cited by the submitters: PubMed 24140113.